The following is an entry in ClinVar:

NM_001164665.2(KIAA1549):c.11C>A (p.Ala4Glu)

Gene: KIAA1549 (KIAA1549; minus strand). Cytogenetic location: 7q34.
Variant type: single nucleotide variant.
Coding change: c.11C>A on transcript NM_001164665.2 (MANE Select); coding-DNA position 11, C replaced by A.
Protein change: p.Ala4Glu; replaces alanine 4 with glutamic acid.
Molecular consequence: missense variant.
Genome position (GRCh38, 1-based): chr7:138,981,259, G>T on the plus strand (C>A on the coding strand, the complement: KIAA1549 is on the minus strand). VCF-style: chr7-138981259-G-T. GRCh37 (hg19) VCF-style: chr7-138666005-G-T.
Other names: c.11C>A, p.Ala4Glu (NM_020910.3); short protein forms A4E.
Identifiers: ClinVar variation 2013551 (VCV002013551.4), dbSNP rs2485658448, ClinGen allele CA369382828.
Genomic context (GRCh38, chr7:138,981,259, plus strand): 5'-GCCAGCGCGACCCCGGCGCGGGGCTTCCCCTCCATGGCCGCGCCTCGGCGTCGGCGCCGC[G>T]CCCCCGGCATTCCCGGCCGGCGCCCCGGCCCGGCCTCGCGGCTCAGCGGCTCTCGGGTCC-3'
Protein context (NP_001158137.1, residues 1-14): MPG[Ala4Glu]RRRRRGAAME

ClinVar aggregate classification (germline): Uncertain significance (1 of 4 stars; one submission).

gnomAD v4.1: 7 of 980,734 alleles (0.00071%); highest among the groups gnomAD compares: Non-Finnish European, 0.00085%; no homozygotes.

Submission:

Labcorp Genetics (formerly Invitae), Labcorp
Classification: Uncertain significance. Last evaluated: 2023-07-17. Review status: criteria provided, single submitter. Criteria: Invitae Variant Classification Sherloc (09022015). Collection method: clinical testing. Allele origin: germline.
Comment: In summary, the available evidence is currently insufficient to determine the role of this variant in disease. Therefore, it has been classified as a Variant of Uncertain Significance. An algorithm developed to predict the effect of missense changes on protein structure and function (PolyPhen-2) suggests that this variant is likely to be disruptive. ClinVar contains an entry for this variant (Variation ID: 2013551). This variant has not been reported in the literature in individuals affected with KIAA1549-related conditions. The frequency data for this variant in the population databases is considered unreliable, as metrics indicate insufficient coverage at this position in the gnomAD database. This sequence change replaces alanine, which is neutral and non-polar, with glutamic acid, which is acidic and polar, at codon 4 of the KIAA1549 protein (p.Ala4Glu).